The following is an entry in ClinVar:

NM_024665.7(TBL1XR1):c.549_551del (p.Leu184del)

Gene: TBL1XR1 (TBL1X/Y related 1; minus strand). Cytogenetic location: 3q26.32.
Variant type: Deletion.
Coding change: c.549_551del on transcript NM_024665.7 (MANE Select); coding-DNA positions 549 to 551, 3 bases deleted (CCT; older notation c.549_551delCCT).
Protein change: p.Leu184del; deletes leucine 184.
Molecular consequence: inframe deletion.
Genome position (GRCh38, 1-based): chr3:177,050,487-177,050,489, AGG deleted on the plus strand (CCT on the coding strand, the reverse complement: TBL1XR1 is on the minus strand); deleting any 3 consecutive bases within chr3:177,050,487-177,050,491 gives the same sequence; the c. name uses the placement nearest the transcript's 3' end. VCF-style (leftmost placement, unchanged base first): chr3-177050486-TAGG-T. GRCh37 (hg19) VCF-style: chr3-176768274-TAGG-T.
Other names: c.549_551del, p.Leu184del (NM_001374328.1, NM_001374329.1, NM_001321193.3 and 2 more transcripts); c.288_290del, p.Leu97del (NM_001374330.1, NM_001321195.3); short protein forms L97del, L184del.
Identifiers: ClinVar variation 2847528 (VCV002847528.3), dbSNP rs2473724525, ClinGen allele CA2739278493.
Genomic context (GRCh38, chr3:177,050,486, plus strand): 5'-ATGTTCAATAAGATATTTTTAAGTCATTTTAGTATCACTTTGAGAAACATACCCTGATGC[TAGG>T]AGATCACTAACAGGGTTCCAGGCACAGATAAAAACTTCAGATTCATGGCCCCGCAACACA-3'

ClinVar aggregate classification (germline): Uncertain significance (1 of 4 stars; one submission).

Conditions:
Pierpont syndrome (PRPTS). Identifiers: Orphanet 487825, MedGen C1865644, MONDO:0011213, OMIM 602342.

Submission:

Labcorp Genetics (formerly Invitae), Labcorp
Classification: Uncertain significance for Pierpont syndrome. Last evaluated: 2024-05-15. Review status: criteria provided, single submitter. Criteria: Invitae Variant Classification Sherloc (09022015). Collection method: clinical testing. Allele origin: germline.
Comment: This variant, c.549_551del, results in the deletion of 1 amino acid(s) of the TBL1XR1 protein (p.Leu184del), but otherwise preserves the integrity of the reading frame. This variant is not present in population databases (gnomAD no frequency). This variant has not been reported in the literature in individuals affected with TBL1XR1-related conditions. Experimental studies and prediction algorithms are not available or were not evaluated, and the functional significance of this variant is currently unknown. In summary, the available evidence is currently insufficient to determine the role of this variant in disease. Therefore, it has been classified as a Variant of Uncertain Significance.